The following is an entry in ClinVar:

ClinVar aggregate classification (germline): Likely benign. Review status: criteria provided, multiple submitters, no conflicts (2 of 4 stars). 2 submissions from 2 submitters: Likely benign (2). Last evaluated 2024-07-01.

Conditions:
Pitt-Hopkins syndrome (PTHS). Also called: MENTAL RETARDATION, SYNDROMAL, WITH INTERMITTENT HYPERVENTILATION; ENCEPHALOPATHY, SEVERE EPILEPTIC, WITH AUTONOMIC DYSFUNCTION. Identifiers: Orphanet 2896, MedGen C1970431, MONDO:0012589, OMIM 610954.

Allele frequency attached by ClinVar (database versions not stated): gnomAD exomes below 0.00001 and 0.00001; TOPMed below 0.00001; ExAC 0.00001; gnomAD 0.00001.
gnomAD v4.1: 13 of 1,613,440 alleles (0.00081%); highest among the groups gnomAD compares: East Asian, 0.0022%; no homozygotes.

Submissions (2):

Labcorp Genetics (formerly Invitae), Labcorp
Classification: Likely benign for Pitt-Hopkins syndrome. Last evaluated: 2024-07-01. Review status: criteria provided, single submitter. Criteria: Invitae Variant Classification Sherloc (09022015). Collection method: clinical testing. Allele origin: germline.

GeneDx
Classification: Likely benign. Last evaluated: 2015-10-13. Review status: criteria provided, single submitter. Criteria: GeneDx Variant Classification (06012015). Collection method: clinical testing. Allele origin: germline. Affected: yes.
Comment: This variant is considered likely benign or benign based on one or more of the following criteria: it is a conservative change, it occurs at a poorly conserved position in the protein, it is predicted to be benign by multiple in silico algorithms, and/or has population frequency not consistent with disease.

NM_001083962.2(TCF4):c.305-15C>T

Gene: TCF4 (transcription factor 4; minus strand). Cytogenetic location: 18q21.2.
Variant type: single nucleotide variant.
Coding change: c.305-15C>T on transcript NM_001083962.2 (MANE Select); 15 bases into the intron before coding-DNA position 305, C replaced by T.
Molecular consequence: intron variant.
Genome position (GRCh38, 1-based): chr18:55,403,533, G>A on the plus strand (C>T on the coding strand, the complement: TCF4 is on the minus strand). VCF-style: chr18-55403533-G-A. GRCh37 (hg19) VCF-style: chr18-53070764-G-A.
Other names: c.611-15C>T (NM_001243226.3); c.233-15C>T (NM_001369584.1, NM_001369576.1, NM_001369577.1 and 15 more transcripts); c.305-15C>T (NM_001369571.1, NM_001369567.1, NM_001243228.2 and 8 more transcripts); c.299-15C>T (NM_001243230.2); c.179-15C>T (NM_001243231.2, NM_001348211.2); c.-83-15C>T (NM_001348212.2); c.-86-15C>T (NM_001348213.2, NM_001243233.2); c.95-15C>T (NM_001306208.1, NM_001243232.1).
Identifiers: ClinVar variation 381059 (VCV000381059.8), dbSNP rs771654348, ClinGen allele CA8970548.